The following is an entry in ClinVar:

NM_006904.7(PRKDC):c.2285A>C (p.Tyr762Ser)

Gene: PRKDC (protein kinase, DNA-activated, catalytic subunit; minus strand). Cytogenetic location: 8q11.21.
Variant type: single nucleotide variant.
Coding change: c.2285A>C on transcript NM_006904.7 (MANE Select); coding-DNA position 2285, A replaced by C.
Protein change: p.Tyr762Ser; replaces tyrosine 762 with serine.
Molecular consequence: missense variant.
Genome position (GRCh38, 1-based): chr8:47,927,328, T>G on the plus strand (A>C on the coding strand, the complement: PRKDC is on the minus strand). VCF-style: chr8-47927328-T-G. GRCh37 (hg19) VCF-style: chr8-48839888-T-G.
Other names: c.2285A>C, p.Tyr762Ser (NM_001081640.2); short protein forms Y762S.
Identifiers: ClinVar variation 2586757 (VCV002586757.2), dbSNP rs2551878156, ClinGen allele CA371162097.

ClinVar aggregate classification (germline): Uncertain significance (1 of 4 stars; one submission).

Allele frequency attached by ClinVar (database versions not stated): gnomAD exomes below 0.00001.
gnomAD v4.1: 5 of 1,613,590 alleles (0.00031%); highest among the groups gnomAD compares: Non-Finnish European, 0.00042%; no homozygotes.

Submission:

Ambry Genetics
Classification: Uncertain significance. Last evaluated: 2023-06-28. Review status: criteria provided, single submitter. Criteria: Ambry Variant Classification Scheme 2023. Collection method: clinical testing. Allele origin: germline.
Comment: The p.Y762S variant (also known as c.2285A>C), located in coding exon 21 of the PRKDC gene, results from an A to C substitution at nucleotide position 2285. The tyrosine at codon 762 is replaced by serine, an amino acid with dissimilar properties. This amino acid position is conserved. In addition, this alteration is predicted to be tolerated by in silico analysis. Since supporting evidence is limited at this time, the clinical significance of this alteration remains unclear.